The following is an entry in ClinVar:

ClinVar aggregate classification (germline): Likely benign. Review status: criteria provided, multiple submitters, no conflicts (2 of 4 stars). 4 submissions from 4 submitters: Likely benign (4). Last evaluated 2025-05-02.

Conditions:
Catecholaminergic polymorphic ventricular tachycardia (CVPT). Also called: Catecholamine-induced polymorphic ventricular tachycardia. Identifiers: Orphanet 3286, MedGen C5574922, MONDO:0017990.
Cardiomyopathy (CMYO). Also called: Cardiomyopathies. Identifiers: Orphanet 167848, MedGen C0878544, MONDO:0004994, HP:0001638. Inheritance: Various modes of inheritance.
Catecholaminergic polymorphic ventricular tachycardia 1. Also called: VENTRICULAR TACHYCARDIA, STRESS-INDUCED POLYMORPHIC 1; VENTRICULAR TACHYCARDIA, CATECHOLAMINERGIC POLYMORPHIC, 1, WITH OR WITHOUT ATRIAL DYSFUNCTION AND/OR DILATED CARDIOMYOPATHY; RYR2-Related Catecholaminergic Polymorphic Ventricular Tachycardia. Identifiers: Orphanet 3286, MedGen C1631597, MONDO:0011484, OMIM 604772.

gnomAD v4.1: 3 of 1,613,830 alleles (0.00019%); highest among the groups gnomAD compares: African/African-American, 0.0013%; no homozygotes.

Submissions (4):

Labcorp Genetics (formerly Invitae), Labcorp
Classification: Likely benign for Catecholaminergic polymorphic ventricular tachycardia 1. Last evaluated: 2025-05-02. Review status: criteria provided, single submitter. Criteria: Invitae Variant Classification Sherloc (09022015). Collection method: clinical testing. Allele origin: germline.

All of Us Research Program, National Institutes of Health
Classification: Likely benign for Catecholaminergic polymorphic ventricular tachycardia. Last evaluated: 2023-03-23. Review status: criteria provided, single submitter. Criteria: ACMG Guidelines, 2015. Collection method: clinical testing. Allele origin: germline. Inheritance: Autosomal dominant inheritance. Observed: 1 variant allele, 1 heterozygote.
Comment: This study involves interpretation of variants in research participants for the purpose of population health screening. Participant phenotype was not available at the time of variant classification. Additional details can be found in publication PMID: 35346344, PMCID: PMC8962531

Color Diagnostics, LLC DBA Color Health
Classification: Likely benign for Cardiomyopathy. Last evaluated: 2018-11-30. Review status: criteria provided, single submitter. Criteria: ACMG Guidelines, 2015. Collection method: clinical testing. Allele origin: germline.

Laboratory for Molecular Medicine, Mass General Brigham Personalized Medicine
Classification: Likely benign. Last evaluated: 2015-08-06. Review status: criteria provided, single submitter. Criteria: LMM Criteria. Collection method: clinical testing. Allele origin: germline. Observed: 1 variant allele.
Comment: p.Asp1872Asp in exon 37 of RYR2: This variant is not expected to have clinical s ignificance because it does not alter an amino acid residue and is not located w ithin the splice consensus sequence.

NM_001035.3(RYR2):c.5616T>C (p.Asp1872=)

Gene: RYR2 (ryanodine receptor 2; plus strand). Cytogenetic location: 1q43.
Variant type: single nucleotide variant.
Coding change: c.5616T>C on transcript NM_001035.3 (MANE Select); coding-DNA position 5616, T replaced by C.
Protein change: p.Asp1872=; no amino-acid change (aspartic acid 1872 retained).
Molecular consequence: synonymous variant.
Genome position (GRCh38, 1-based): chr1:237,614,744, T>C. VCF-style: chr1-237614744-T-C. GRCh37 (hg19) VCF-style: chr1-237778044-T-C.
Identifiers: ClinVar variation 227919 (VCV000227919.12), dbSNP rs765786213, ClinGen allele CA10576405.
Genomic context (GRCh38, chr1:237,614,744, plus strand): 5'-AGAAGCTGCCACTCCGGAGGAGGAGAGTGACACGCTGGAGAAAGAGCTCAGTGTGGACGA[T>C]GCAAAGCTGCAAGGAGCTGGTGAGGAAGAAGCCAAGGGGGGCAAGCGGCCCAAGGAAGGC-3'
Protein context (NP_001026.2, residues 1862-1882): DTLEKELSVD[Asp1872=]AKLQGAGEEE